The following is an entry in ClinVar:

NM_001122681.2(SH3BP2):c.266C>T (p.Thr89Met)

Gene: SH3BP2 (SH3 domain binding protein 2; plus strand). Cytogenetic location: 4p16.3.
Variant type: single nucleotide variant.
Coding change: c.266C>T on transcript NM_001122681.2 (MANE Select); coding-DNA position 266, C replaced by T.
Protein change: p.Thr89Met; replaces threonine 89 with methionine.
Molecular consequence: missense variant.
Genome position (GRCh38, 1-based): chr4:2,824,639, C>T. VCF-style: chr4-2824639-C-T. GRCh37 (hg19) VCF-style: chr4-2826366-C-T.
Other names: c.350C>T, p.Thr117Met (NM_001145855.2); c.437C>T, p.Thr146Met (NM_001145856.2); c.266C>T, p.Thr89Met (NM_003023.4); short protein forms T117M, T146M, T89M.
Identifiers: ClinVar variation 4292428 (VCV004292428.1).

ClinVar aggregate classification (germline): Uncertain significance (1 of 4 stars; one submission).

Conditions:
Fibrous dysplasia of jaw (CRBM). Also called: Cherubism. Identifiers: Orphanet 184, MedGen C0008029, MONDO:0007315, OMIM 118400.

gnomAD v4.1: 4 of 1,613,854 alleles (0.00025%); highest among the groups gnomAD compares: Admixed American, 0.0017%; no homozygotes.

Submission:

3billion
Classification: Uncertain significance for Fibrous dysplasia of jaw. Last evaluated: 2025-02-17. Review status: criteria provided, single submitter. Criteria: ACMG Guidelines, 2015. Collection method: clinical testing. Allele origin: germline. Affected: yes.
Comment: The variant is observed at an extremely low frequency in the gnomAD v4.1.0 dataset (total allele frequency: <0.001%). Predicted Consequence/Location: Missense variant. Missense changes are a common disease-causing mechanism. In silico tool predictions suggest no damaging effect of the variant on gene or gene product [REVEL: 0.33 (<0.4); 3Cnet: 0.13 (<0.15, specificity 0.78 and negative predictive value 0.92)]. Therefore, this variant is classified as VUS according to the recommendation of ACMG/AMP guideline.